The following is an entry in ClinVar:

NM_000431.4(MVK):c.904C>T (p.Gln302Ter)

Gene: MVK (mevalonate kinase; plus strand). Cytogenetic location: 12q24.11.
Variant type: single nucleotide variant.
Coding change: c.904C>T on transcript NM_000431.4 (MANE Select); coding-DNA position 904, C replaced by T.
Protein change: p.Gln302Ter; replaces glutamine 302 with a stop codon.
Molecular consequence: nonsense.
Genome position (GRCh38, 1-based): chr12:109,595,046, C>T. VCF-style: chr12-109595046-C-T. GRCh37 (hg19) VCF-style: chr12-110032851-C-T.
Other names: c.904C>T (LRG_156t1); c.904C>T, p.Gln302Ter (NM_001114185.3); c.748C>T, p.Gln250Ter (NM_001301182.2); short protein forms Q302*, Q250*.
Identifiers: ClinVar variation 307100 (VCV000307100.18), dbSNP rs886048933, ClinGen allele CA10636429.

ClinVar aggregate classification (germline): Pathogenic/Likely pathogenic. Review status: criteria provided, multiple submitters, no conflicts (2 of 4 stars). 3 submissions from 3 submitters: Pathogenic (1); Likely pathogenic (2). Last evaluated 2024-11-05.

Conditions:
Porokeratosis 3, disseminated superficial actinic type (POROK3). Also called: POROKERATOSIS, DISSEMINATED SUPERFICIAL ACTINIC, 1; POROKERATOSIS 3, MULTIPLE TYPES; POROKERATOSIS 3, MIBELLI TYPE. Identifiers: MedGen C1867981, MONDO:0008293, OMIM 175900.
Hyperimmunoglobulin D with periodic fever (HIDS). Also called: Hyperimmunoglobulinemia D with periodic fever; Hyperimmunoglobulinemia D; HYPERIMMUNOGLOBULINEMIA D AND PERIODIC FEVER SYNDROME. Identifiers: Orphanet 343, MedGen C0398691, MONDO:0009849, OMIM 260920.
Mevalonic aciduria (MEVA). Identifiers: Orphanet 29, MedGen C1959626, MONDO:0012481, OMIM 610377.

Allele frequency attached by ClinVar (database versions not stated): TOPMed below 0.00001.
gnomAD v4.1: 10 of 1,614,218 alleles (0.00062%); highest among the groups gnomAD compares: Non-Finnish European, 0.00076%; no homozygotes.

Submissions (3):

Labcorp Genetics (formerly Invitae), Labcorp
Classification: Pathogenic for Mevalonic aciduria; Hyperimmunoglobulin D with periodic fever; Porokeratosis 3, disseminated superficial actinic type. Last evaluated: 2024-11-05. Review status: criteria provided, single submitter. Criteria: Invitae Variant Classification Sherloc (09022015). Collection method: clinical testing. Allele origin: germline.
Comment: This sequence change creates a premature translational stop signal (p.Gln302*) in the MVK gene. It is expected to result in an absent or disrupted protein product. Loss-of-function variants in MVK are known to be pathogenic (PMID: 16835861, 17105862, 23834120). This variant is not present in population databases (gnomAD no frequency). This premature translational stop signal has been observed in individual(s) with porokeratosis (PMID: 26202976). ClinVar contains an entry for this variant (Variation ID: 307100). For these reasons, this variant has been classified as Pathogenic.

GeneDx
Classification: Likely pathogenic. Last evaluated: 2019-07-16. Review status: criteria provided, single submitter. Criteria: GeneDx Variant Classification Process June 2021. Collection method: clinical testing. Allele origin: germline. Affected: yes.
Comment: Nonsense variant predicted to result in protein truncation or nonsense mediated decay in a gene for which loss-of-function is a known mechanism of disease; Not observed in large population cohorts (Lek et al., 2016); This variant is associated with the following publications: (PMID: 26202976)

Juno Genomics, Hangzhou Juno Genomics, Inc
Classification: Likely pathogenic for Hyperimmunoglobulin D with periodic fever; Mevalonic aciduria; Porokeratosis 3, disseminated superficial actinic type. Review status: criteria provided, single submitter. Criteria: ACMG Guidelines, 2015. Collection method: clinical testing. Allele origin: germline.
Comment: Null variant in a gene where loss of function (LOF) is a known mechanism of disease.;Absent from controls (or at extremely low frequency if recessive) in Genome Aggregation Database.

Literature cited by the submitters: PubMed 16835861 (cited by Labcorp Genetics (formerly Invitae), Labcorp); PubMed 17105862 (cited by Labcorp Genetics (formerly Invitae), Labcorp); PubMed 23834120 (cited by Labcorp Genetics (formerly Invitae), Labcorp); PubMed 26202976 (cited by Labcorp Genetics (formerly Invitae), Labcorp).